The following is an entry in ClinVar:

ClinVar aggregate classification (germline): Conflicting classifications of pathogenicity. Review status: criteria provided, conflicting classifications (1 of 4 stars). 13 submissions from 13 submitters: Uncertain significance (7); Likely benign (1). 5 of the submissions do not count toward it. Last evaluated 2025-08-15.

Conditions:
TTN-related disorder. Also called: TTN-related condition; TTN-related disease; TTN-related disorders.
Cardiovascular phenotype. Identifiers: MedGen CN230736.
Dilated cardiomyopathy 1G (CMD1G). Identifiers: Orphanet 154, MedGen C1858763, MONDO:0011400, OMIM 604145.
Autosomal recessive limb-girdle muscular dystrophy type 2J (LGMDR10). Also called: MUSCULAR DYSTROPHY, LIMB-GIRDLE, AUTOSOMAL RECESSIVE 10; Limb-girdle muscular dystrophy, type 2J. Identifiers: Orphanet 140922, MedGen C1837342, MONDO:0012127, OMIM 608807.
Myopathy, myofibrillar, 9, with early respiratory failure (MFM9). Also called: EDSTROM MYOPATHY; MYOPATHY, PROXIMAL, WITH EARLY RESPIRATORY MUSCLE INVOLVEMENT; Myopathy, distal, with early respiratory failure, autosomal dominant; Hereditary myopathy with early respiratory failure. Identifiers: Orphanet 178464, Orphanet 34521, MedGen C1863599, MONDO:0011362, OMIM 603689.
Early-onset myopathy with fatal cardiomyopathy (CMYO5). Also called: CONGENITAL MYOPATHY 5 WITH CARDIOMYOPATHY; Salih Myopathy. Identifiers: Orphanet 289377, MedGen C2673677, MONDO:0012714, OMIM 611705. Disease mechanism: loss of function.
Hypertrophic cardiomyopathy 9. Also called: Familial hypertrophic cardiomyopathy 9. Identifiers: MedGen C1861065, MONDO:0013412, OMIM 613765.
Tibial muscular dystrophy (TMD). Also called: UDD MYOPATHY; Tibial muscular dystrophy, tardive; Udd Distal Myopathy – Tibial Muscular Dystrophy. Identifiers: Orphanet 609, MedGen C1838244, MONDO:0010870, OMIM 600334.

Allele frequency attached by ClinVar (database versions not stated): ESP Exome Variant Server 0.00025; 1000 Genomes Project 30x 0.00031; gnomAD exomes 0.00008; ExAC 0.00012; gnomAD 0.00018 and 0.00020; 1000 Genomes Project 0.00020; TOPMed 0.00023.
gnomAD v4.1: 135 of 1,613,598 alleles (0.0084%); highest among the groups gnomAD compares: African/African-American, 0.057%; no homozygotes.

Submissions (13):

Mayo Clinic Laboratories, Mayo Clinic
Classification: Uncertain significance. Last evaluated: 2025-08-15. Review status: criteria provided, single submitter. Criteria: ACMG Guidelines, 2015. Collection method: clinical testing. Allele origin: germline. Observed: 1 variant allele.
Comment: BP4, PM2_supporting

Revvity Omics, Revvity
Classification: Uncertain significance. Last evaluated: 2025-03-24. Review status: criteria provided, single submitter. Criteria: ACMG Guidelines, 2015. Collection method: clinical testing. Allele origin: germline.

Fulgent Genetics
Classification: Uncertain significance for Tibial muscular dystrophy; Myopathy, myofibrillar, 9, with early respiratory failure; Dilated cardiomyopathy 1G; Autosomal recessive limb-girdle muscular dystrophy type 2J; Early-onset myopathy with fatal cardiomyopathy; Hypertrophic cardiomyopathy 9. Last evaluated: 2021-09-07. Review status: criteria provided, single submitter. Criteria: ACMG Guidelines, 2015. Collection method: clinical testing. Allele origin: unknown.

Ambry Genetics
Classification: Likely benign for Cardiovascular phenotype. Last evaluated: 2019-06-26. Review status: criteria provided, single submitter. Criteria: Ambry Variant Classification Scheme 2023. Collection method: clinical testing. Allele origin: germline.

Athena Diagnostics
Classification: Uncertain significance. Last evaluated: 2018-08-09. Review status: criteria provided, single submitter. Criteria: Athena Diagnostics Criteria. Collection method: clinical testing. Allele origin: germline.

Labcorp Genetics (formerly Invitae), Labcorp
Classification: Uncertain significance for Dilated cardiomyopathy 1G; Autosomal recessive limb-girdle muscular dystrophy type 2J. Last evaluated: 2017-11-17. Review status: criteria provided, single submitter. Criteria: Invitae Variant Classification Sherloc (09022015). Collection method: clinical testing. Allele origin: germline.

Eurofins Ntd Llc (ga)
Classification: Uncertain significance. Last evaluated: 2017-08-07. Review status: criteria provided, single submitter. Criteria: EGL Classification Definitions 2015. Collection method: clinical testing. Allele origin: germline. Observed: 3 variant alleles, 3 heterozygotes.

Biesecker Lab/Clinical Genomics Section, National Institutes of Health
Classification: Uncertain significance. Last evaluated: 2013-06-24. Review status: criteria provided, single submitter. Criteria: Ng et al. (Circ Cardiovasc Genet. 2013). Collection method: research. Allele origin: unknown. Observed: 1 variant allele. Study: ClinSeq.
Comment: The study set was not selected for affection status in relation to any cancer. Pathogenicity categories were based on literature curation. See Pubmed ID:23861362 for details.

Medical sequencing

PreventionGenetics, part of Exact Sciences
Classification: Uncertain significance for TTN-related condition. Last evaluated: 2024-03-12. Review status: no assertion criteria provided. Collection method: clinical testing. Allele origin: germline. Not counted in ClinVar's aggregate classification.
Comment: The TTN c.80555G>A variant is predicted to result in the amino acid substitution p.Arg26852His. To our knowledge, this variant has not been reported in individuals with TTN-associated phenotypes in the literature. This variant is reported in 0.058% of alleles in individuals of African descent in gnomAD. Although we suspect that this variant may be benign, at this time, the clinical significance of this variant is uncertain due to the absence of conclusive functional and genetic evidence.

GeneDx
No classification provided. Last evaluated: 2014-09-10. Review status: no classification provided. Criteria: GeneDx Variant Classification (06012015). Collection method: clinical testing. Allele origin: germline. Affected: yes. Not counted in ClinVar's aggregate classification.
Comment: Missense variants in the TTN gene are considered 'unclassified' if they are not previously reported in the literature and do not have >1% frequency in the population to be considered a polymorphism. Research indicates that truncating mutations in the TTN gene are expected to account for approximately 25% of familial and 18% of sporadic idiopathic DCM; however, truncating variants in the TTN gene have been reported in approximately 3% of reported control alleles. There has been little investigation into non-truncating variants. (Herman D et al. Truncations of titin causing dilated cardiomyopathy. N Eng J Med 366:619-628, 2012) The variant is found in CARDIOMYOPATHY panel(s).

Clinical Genetics DNA and cytogenetics Diagnostics Lab, Erasmus MC, Erasmus Medical Center
Classification: Uncertain significance. Review status: no assertion criteria provided. Collection method: clinical testing. Allele origin: germline. Affected: yes. Study: VKGL Data-share Consensus. Not counted in ClinVar's aggregate classification.

Clinical Genetics, Academic Medical Center
Classification: Uncertain significance. Review status: no assertion criteria provided. Collection method: clinical testing. Allele origin: germline. Affected: yes. Study: VKGL Data-share Consensus. Not counted in ClinVar's aggregate classification.

Genome Diagnostics Laboratory, University Medical Center Utrecht
Classification: Uncertain significance. Review status: no assertion criteria provided. Collection method: clinical testing. Allele origin: germline. Affected: yes. Study: VKGL Data-share Consensus. Not counted in ClinVar's aggregate classification.

Literature cited by the submitters: PubMed 33057194 (cited by Mayo Clinic Laboratories, Mayo Clinic); PubMed 35982159 (cited by Mayo Clinic Laboratories, Mayo Clinic).

NM_001267550.2(TTN):c.80555G>A (p.Arg26852His)

Genes: TTN (titin; minus strand), TTN-AS1 (TTN antisense RNA 1; plus strand). Cytogenetic location: 2q31.2.
Variant type: single nucleotide variant.
Coding change: c.80555G>A on transcript NM_001267550.2 (MANE Select); coding-DNA position 80555, G replaced by A.
Protein change: p.Arg26852His; replaces arginine 26852 with histidine.
Molecular consequence: missense variant.
Genome position (GRCh38, 1-based): chr2:178,565,577, C>T on the plus strand (G>A on the coding strand, the complement: TTN is on the minus strand). VCF-style: chr2-178565577-C-T. GRCh37 (hg19) VCF-style: chr2-179430304-C-T.
Other names: p.R25211H:CGT>CAT; p.Arg24284His; c.75632G>A, p.Arg25211His (NM_001256850.1); c.53360G>A, p.Arg17787His (NM_003319.4); c.72851G>A, p.Arg24284His (NM_133378.4); c.53735G>A, p.Arg17912His (NM_133432.3); c.53936G>A, p.Arg17979His (NM_133437.4); c.80555G>A (LRG_391t1); short protein forms R24284H, R26852H, R25211H, R17912H, R17787H, R17979H.
Identifiers: ClinVar variation 191887 (VCV000191887.20), dbSNP rs202149931, ClinGen allele CA302441.